The following is an entry in ClinVar:

ClinVar aggregate classification (germline): Uncertain significance (1 of 4 stars; one submission).

Submission:

Labcorp Genetics (formerly Invitae), Labcorp
Classification: Uncertain significance. Last evaluated: 2024-08-22. Review status: criteria provided, single submitter. Criteria: Invitae Variant Classification Sherloc (09022015). Collection method: clinical testing. Allele origin: germline.
Comment: This sequence change replaces serine, which is neutral and polar, with cysteine, which is neutral and slightly polar, at codon 403 of the APPL1 protein (p.Ser403Cys). This variant is not present in population databases (gnomAD no frequency). This variant has not been reported in the literature in individuals affected with APPL1-related conditions. Invitae Evidence Modeling of protein sequence and biophysical properties (such as structural, functional, and spatial information, amino acid conservation, physicochemical variation, residue mobility, and thermodynamic stability) indicates that this missense variant is not expected to disrupt APPL1 protein function with a negative predictive value of 80%. In summary, the available evidence is currently insufficient to determine the role of this variant in disease. Therefore, it has been classified as a Variant of Uncertain Significance.

NM_012096.3(APPL1):c.1208C>G (p.Ser403Cys)

Gene: APPL1 (adaptor protein, phosphotyrosine interacting with PH domain and leucine zipper 1; plus strand). Cytogenetic location: 3p14.3.
Variant type: single nucleotide variant.
Coding change: c.1208C>G on transcript NM_012096.3 (MANE Select); coding-DNA position 1208, C replaced by G.
Protein change: p.Ser403Cys; replaces serine 403 with cysteine.
Molecular consequence: missense variant.
Genome position (GRCh38, 1-based): chr3:57,257,012, C>G. VCF-style: chr3-57257012-C-G. GRCh37 (hg19) VCF-style: chr3-57291040-C-G.
Other names: short protein forms S403C.
Identifiers: ClinVar variation 3680622 (VCV003680622.2).